The following is an entry in ClinVar:

ClinVar aggregate classification (germline): Likely benign. Review status: criteria provided, multiple submitters, no conflicts (2 of 4 stars). 4 submissions from 4 submitters: Likely benign (3). 1 of the submissions does not count toward it. Last evaluated 2026-09-01.

Conditions:
Epilepsy. Also called: Seizure disorder. Identifiers: MedGen C0014544, MeSH D004827, MONDO:0005027.
PIGQ-related disorder. Also called: PIGQ-related condition.

Allele frequency attached by ClinVar (database versions not stated): gnomAD 0.00113 and 0.00108; 1000 Genomes Project 30x 0.00031; 1000 Genomes Project 0.00040; ExAC 0.00100; TOPMed 0.00105; gnomAD exomes 0.00107; ESP Exome Variant Server 0.00108.
gnomAD v4.1: 2,755 of 1,612,512 alleles (0.17%); highest among the groups gnomAD compares: Non-Finnish European, 0.22%; 2 homozygotes.

Submissions (4):

CeGaT Center for Human Genetics Tuebingen
Classification: Likely benign. Last evaluated: 2026-09-01. Review status: criteria provided, single submitter. Criteria: CeGaT Center For Human Genetics Tuebingen Variant Classification Criteria Version 2. Collection method: clinical testing. Allele origin: germline. Affected: yes. Observed: 20 variant alleles.
Comment: PIGQ: BP4, BP7

Labcorp Genetics (formerly Invitae), Labcorp
Classification: Likely benign for Epilepsy. Last evaluated: 2026-01-17. Review status: criteria provided, single submitter. Criteria: Invitae Variant Classification Sherloc (09022015). Collection method: clinical testing. Allele origin: germline.

Blueprint Genetics
Classification: Likely benign. Last evaluated: 2024-11-22. Review status: criteria provided, single submitter. Criteria: ACMG Guidelines, 2015. Collection method: clinical testing. Allele origin: germline.

PreventionGenetics, part of Exact Sciences
Classification: Likely benign for PIGQ-related condition. Last evaluated: 2019-09-09. Review status: no assertion criteria provided. Collection method: clinical testing. Allele origin: germline. Not counted in ClinVar's aggregate classification.
Comment: This variant is classified as likely benign based on ACMG/AMP sequence variant interpretation guidelines (Richards et al. 2015 PMID: 25741868, with internal and published modifications).

NM_004204.5(PIGQ):c.996C>T (p.Ala332=)

Gene: PIGQ (phosphatidylinositol glycan anchor biosynthesis class Q; plus strand). Cytogenetic location: 16p13.3.
Variant type: single nucleotide variant.
Coding change: c.996C>T on transcript NM_004204.5 (MANE Select); coding-DNA position 996, C replaced by T.
Protein change: p.Ala332=; no amino-acid change (alanine 332 retained).
Molecular consequence: synonymous variant.
Genome position (GRCh38, 1-based): chr16:578,432, C>T. VCF-style: chr16-578432-C-T. GRCh37 (hg19) VCF-style: chr16-628432-C-T.
Other names: c.996C>T, p.Ala332= (NM_148920.4).
Identifiers: ClinVar variation 456058 (VCV000456058.38), dbSNP rs112667694, ClinGen allele CA7780072.
Genomic context (GRCh38, chr16:578,432, plus strand): 5'-CCTGCAGCACGTGGCCGAGGAGCTCCAGCATCTGCTGCAGTGGCTGATGGGTGCTCCCGC[C>T]GGGCTCAAGATGAACCGTGCACTGGACCAGGTGCTGGGCCGCTTCTTCCTCTACCACATC-3'
Protein context (NP_004195.2, residues 322-342): HLLQWLMGAP[Ala332=]GLKMNRALDQ